The following is an entry in ClinVar:

NM_014633.5(CTR9):c.110A>G (p.Glu37Gly)

Gene: CTR9 (CTR9 homolog, Paf1/RNA polymerase II complex component; plus strand). Cytogenetic location: 11p15.4.
Variant type: single nucleotide variant.
Coding change: c.110A>G on transcript NM_014633.5 (MANE Select); coding-DNA position 110, A replaced by G.
Protein change: p.Glu37Gly; replaces glutamic acid 37 with glycine.
Molecular consequence: missense variant.
Genome position (GRCh38, 1-based): chr11:10,752,736, A>G. VCF-style: chr11-10752736-A-G. GRCh37 (hg19) VCF-style: chr11-10774283-A-G.
Other names: c.110A>G, p.Glu37Gly (NM_001346279.2); short protein forms E37G.
Identifiers: ClinVar variation 2575015 (VCV002575015.2), dbSNP rs2539366660, ClinGen allele CA379675192.

ClinVar aggregate classification (germline): Likely pathogenic (1 of 4 stars; one submission).

Submission:

GeneDx
Classification: Likely pathogenic. Last evaluated: 2025-05-14. Review status: criteria provided, single submitter. Criteria: GeneDx Variant Classification Process June 2021. Collection method: clinical testing. Allele origin: germline. Affected: yes.
Comment: Not observed at significant frequency in large population cohorts (gnomAD); In silico analysis supports that this missense variant has a deleterious effect on protein structure/function; Has not been previously published as pathogenic or benign to our knowledge